The following is an entry in ClinVar:

NM_000052.7(ATP7A):c.2865A>G (p.Val955=)

Gene: ATP7A (ATPase copper transporting alpha; plus strand). Cytogenetic location: Xq21.1.
Variant type: single nucleotide variant.
Coding change: c.2865A>G on transcript NM_000052.7 (MANE Select); coding-DNA position 2865, A replaced by G.
Protein change: p.Val955=; no amino-acid change (valine 955 retained).
Molecular consequence: synonymous variant.
Genome position (GRCh38, 1-based): chrX:78,021,028, A>G. VCF-style: chrX-78021028-A-G. GRCh37 (hg19) VCF-style: chrX-77276525-A-G.
Other names: c.2865A>G (NM_000052.6); c.2631A>G, p.Val877= (NM_001282224.2).
Identifiers: ClinVar variation 1625939 (VCV001625939.12), dbSNP rs1557235728, ClinGen allele CA517065114.

ClinVar aggregate classification (germline): Likely benign. Review status: criteria provided, single submitter (1 of 4 stars). 2 submissions from 2 submitters: Likely benign (1). 1 of the submissions does not count toward it. Last evaluated 2025-06-22.

Conditions:
ATP7A-related disorder. Also called: ATP7A-related condition.
X-linked distal spinal muscular atrophy type 3. Also called: NEURONOPATHY, DISTAL HEREDITARY MOTOR, X-LINKED; NEUROPATHY, DISTAL HEREDITARY MOTOR, X-LINKED; ATP7A-Related Distal Motor Neuropathy; SPINAL MUSCULAR ATROPHY, DISTAL, X-LINKED RECESSIVE. Identifiers: Orphanet 139557, MedGen C1845359, MONDO:0010338, OMIM 300489.
Menkes kinky-hair syndrome (MNK). Also called: Menkes Disease; Copper transport disease; Classic Menkes Disease. Identifiers: Orphanet 565, MedGen C0022716, MONDO:0010651, OMIM 309400.
Cutis laxa, X-linked (OHS). Also called: EDS IX; Occipital horn syndrome. Identifiers: Orphanet 198, MedGen C0268353, MONDO:0010572, OMIM 304150.

Allele frequency attached by ClinVar (database versions not stated): TOPMed below 0.00001; gnomAD exomes 0.00001.
gnomAD v4.1: 7 of 1,206,446 alleles (0.00058%); highest among the groups gnomAD compares: Admixed American, 0.0065%; no homozygotes.

Submissions (2):

Labcorp Genetics (formerly Invitae), Labcorp
Classification: Likely benign for X-linked distal spinal muscular atrophy type 3; Cutis laxa, X-linked; Menkes kinky-hair syndrome. Last evaluated: 2025-06-22. Review status: criteria provided, single submitter. Criteria: Invitae Variant Classification Sherloc (09022015). Collection method: clinical testing. Allele origin: germline.

PreventionGenetics, part of Exact Sciences
Classification: Likely benign for ATP7A-related condition. Last evaluated: 2022-11-30. Review status: no assertion criteria provided. Collection method: clinical testing. Allele origin: germline. Not counted in ClinVar's aggregate classification.
Comment: This variant is classified as likely benign based on ACMG/AMP sequence variant interpretation guidelines (Richards et al. 2015 PMID: 25741868, with internal and published modifications).